The following is an entry in ClinVar:

NM_003403.5(YY1):c.1102T>C (p.Phe368Leu)

Gene: YY1 (YY1 transcription factor; plus strand). Cytogenetic location: 14q32.2.
Variant type: single nucleotide variant.
Coding change: c.1102T>C on transcript NM_003403.5 (MANE Select); coding-DNA position 1102, T replaced by C.
Protein change: p.Phe368Leu; replaces phenylalanine 368 with leucine.
Molecular consequence: missense variant.
Genome position (GRCh38, 1-based): chr14:100,277,457, T>C. VCF-style: chr14-100277457-T-C. GRCh37 (hg19) VCF-style: chr14-100743794-T-C.
Other names: short protein forms F368L.
Identifiers: ClinVar variation 2582783 (VCV002582783.2), dbSNP rs2549139328, ClinGen allele CA390969360.

ClinVar aggregate classification (germline): Likely pathogenic (1 of 4 stars; one submission).

Conditions:
Gabriele de Vries syndrome. Identifiers: Orphanet 506358, MedGen C4479652, MONDO:0044738, OMIM 617557.

Submission:

Laboratory of Human Genetics, Universidade de São Paulo
Classification: Likely pathogenic for Gabriele de Vries syndrome. Last evaluated: 2023-05-08. Review status: criteria provided, single submitter. Criteria: ACMG Guidelines, 2015. Collection method: clinical testing. Allele origin: de novo. Inheritance: Autosomal dominant inheritance. Affected: yes. Observed: 1 heterozygote.
Comment: PM1, PM2, PP3, and PM6 (ACMG)